The following is an entry in ClinVar:

ClinVar aggregate classification (germline): Uncertain significance (0 of 4 stars; one submission).

Conditions:
LOXL3-related disorder. Also called: LOXL3-related condition.

Allele frequency attached by ClinVar (database versions not stated): gnomAD exomes below 0.00001; TOPMed below 0.00001.
gnomAD v4.1: 1 of 1,614,204 alleles (0.000062%); highest among the groups gnomAD compares: Admixed American, 0.0017%; no homozygotes.

Submission:

PreventionGenetics, part of Exact Sciences
Classification: Uncertain significance for LOXL3-related condition. Last evaluated: 2024-01-18. Review status: no assertion criteria provided. Collection method: clinical testing. Allele origin: germline.
Comment: The LOXL3 c.762C>G variant is predicted to result in the amino acid substitution p.His254Gln. To our knowledge, this variant has not been reported in the literature or in a large population database, indicating this variant is rare. At this time, the clinical significance of this variant is uncertain due to the absence of conclusive functional and genetic evidence.

NM_032603.5(LOXL3):c.762C>G (p.His254Gln)

Gene: LOXL3 (lysyl oxidase like 3; minus strand). Cytogenetic location: 2p13.1.
Variant type: single nucleotide variant.
Coding change: c.762C>G on transcript NM_032603.5 (MANE Select); coding-DNA position 762, C replaced by G.
Protein change: p.His254Gln; replaces histidine 254 with glutamine.
Molecular consequence: missense variant. On other transcripts: intron variant (2).
Genome position (GRCh38, 1-based): chr2:74,536,859, G>C on the plus strand (C>G on the coding strand, the complement: LOXL3 is on the minus strand). VCF-style: chr2-74536859-G-C. GRCh37 (hg19) VCF-style: chr2-74763986-G-C.
Other names: c.478-388C>G (NM_001289164.3); c.-171-388C>G (NM_001289165.2); short protein forms H254Q.
Identifiers: ClinVar variation 3031022 (VCV003031022.2), dbSNP rs1676059310, ClinGen allele CA347391329.